The following is an entry in ClinVar:

NM_003482.4(KMT2D):c.2992C>G (p.Pro998Ala)

Gene: KMT2D (lysine methyltransferase 2D; minus strand). Cytogenetic location: 12q13.12.
Variant type: single nucleotide variant.
Coding change: c.2992C>G on transcript NM_003482.4 (MANE Select); coding-DNA position 2992, C replaced by G.
Protein change: p.Pro998Ala; replaces proline 998 with alanine.
Molecular consequence: missense variant.
Genome position (GRCh38, 1-based): chr12:49,050,596, G>C on the plus strand (C>G on the coding strand, the complement: KMT2D is on the minus strand). VCF-style: chr12-49050596-G-C. GRCh37 (hg19) VCF-style: chr12-49444379-G-C.
Other names: c.2992C>G (NM_003482.3); short protein forms P998A.
Identifiers: ClinVar variation 1524329 (VCV001524329.10), dbSNP rs143711798, ClinGen allele CA6548144.

ClinVar aggregate classification (germline): Conflicting classifications of pathogenicity. Review status: criteria provided, conflicting classifications (1 of 4 stars). 3 submissions from 3 submitters: Likely pathogenic (1); Benign (1); Likely benign (1). Last evaluated 2026-06-23.

Conditions:
Kabuki syndrome. Also called: Kabuki make-up syndrome; NIIKAWA-KUROKI SYNDROME. Identifiers: Orphanet 2322, MedGen C0796004, MONDO:0016512.
Kabuki syndrome 1 (KABUK1). Also called: KMT2D-Related Kabuki Syndrome. Identifiers: Orphanet 2322, MedGen CN030661, MONDO:0007843, OMIM 147920.
KMT2D-related disorder. Also called: KMT2D-Related Disorders.

gnomAD v4.1: 56 of 1,608,044 alleles (0.0035%); highest among the groups gnomAD compares: Middle Eastern, 0.016%; no homozygotes.

Submissions (3):

PreventionGenetics, part of Exact Sciences
Classification: Likely benign for KMT2D-related condition. Last evaluated: 2026-06-23. Review status: criteria provided, single submitter. Criteria: ACMG Guidelines, 2015. Collection method: clinical testing. Allele origin: germline.
Comment: This variant is classified as likely benign based on ACMG/AMP sequence variant interpretation guidelines (Richards et al. 2015 PMID: 25741868, with internal and published modifications).

Labcorp Genetics (formerly Invitae), Labcorp
Classification: Benign for Kabuki syndrome. Last evaluated: 2026-01-29. Review status: criteria provided, single submitter. Criteria: Invitae Variant Classification Sherloc (09022015). Collection method: clinical testing. Allele origin: germline.

Laboratory of Prof. Karen Avraham, Tel Aviv University
Classification: Likely pathogenic for Kabuki syndrome 1. Last evaluated: 2024-05-28. Review status: criteria provided, single submitter. Criteria: ACMG Guidelines, 2015. Collection method: research. Allele origin: germline. Affected: yes. Observed: 1 variant allele.
Comment: Likely pathogenic according to Deafness Variation Database based on PMID: 24311525

KABUK1; autosomal dominant; high-tone normal-profound HL